The following is an entry in ClinVar:

ClinVar aggregate classification (germline): Uncertain significance (1 of 4 stars; one submission).

gnomAD v4.1: 43 of 1,611,740 alleles (0.0027%); highest among the groups gnomAD compares: Middle Eastern, 0.016%; no homozygotes.

Submission:

GeneDx
Classification: Uncertain significance. Last evaluated: 2025-07-08. Review status: criteria provided, single submitter. Criteria: GeneDx Variant Classification Process June 2021. Collection method: clinical testing. Allele origin: germline. Affected: yes.
Comment: In silico analysis suggests that this missense variant does not alter protein structure/function; Has not been previously published as pathogenic or benign to our knowledge

NM_133444.3(ZNF526):c.1640G>A (p.Arg547Gln)

Gene: ZNF526 (zinc finger protein 526; plus strand). Cytogenetic location: 19q13.2.
Variant type: single nucleotide variant.
Coding change: c.1640G>A on transcript NM_133444.3 (MANE Select); coding-DNA position 1640, G replaced by A.
Protein change: p.Arg547Gln; replaces arginine 547 with glutamine.
Molecular consequence: missense variant.
Genome position (GRCh38, 1-based): chr19:42,226,043, G>A. VCF-style: chr19-42226043-G-A. GRCh37 (hg19) VCF-style: chr19-42730195-G-A.
Other names: c.1640G>A, p.Arg547Gln (NM_001314033.3); short protein forms R547Q.
Identifiers: ClinVar variation 4685412 (VCV004685412.1).